The following is an entry in ClinVar:

NM_003126.4(SPTA1):c.5407A>G (p.Lys1803Glu)

Gene: SPTA1 (spectrin alpha, erythrocytic 1; minus strand). Cytogenetic location: 1q23.1.
Variant type: single nucleotide variant.
Coding change: c.5407A>G on transcript NM_003126.4 (MANE Select); coding-DNA position 5407, A replaced by G.
Protein change: p.Lys1803Glu; replaces lysine 1803 with glutamic acid.
Molecular consequence: missense variant.
Genome position (GRCh38, 1-based): chr1:158,635,938, T>C on the plus strand (A>G on the coding strand, the complement: SPTA1 is on the minus strand). VCF-style: chr1-158635938-T-C. GRCh37 (hg19) VCF-style: chr1-158605728-T-C.
Other names: short protein forms K1803E.
Identifiers: ClinVar variation 4761012 (VCV004761012.1).

ClinVar aggregate classification (germline): Uncertain significance (1 of 4 stars; one submission).

Submission:

Labcorp Genetics (formerly Invitae), Labcorp
Classification: Uncertain significance. Last evaluated: 2025-09-07. Review status: criteria provided, single submitter. Criteria: Invitae Variant Classification Sherloc (09022015). Collection method: clinical testing. Allele origin: germline.
Comment: This sequence change replaces lysine, which is basic and polar, with glutamic acid, which is acidic and polar, at codon 1803 of the SPTA1 protein (p.Lys1803Glu). This variant is not present in population databases (gnomAD no frequency). This variant has not been reported in the literature in individuals affected with SPTA1-related conditions. An algorithm developed to predict the effect of missense changes on protein structure and function outputs the following: PolyPhen-2: "Benign". The glutamic acid amino acid residue is found in multiple mammalian species, which suggests that this missense change does not adversely affect protein function. In summary, the available evidence is currently insufficient to determine the role of this variant in disease. Therefore, it has been classified as a Variant of Uncertain Significance.